The following is an entry in ClinVar:

NM_004813.4(PEX16):c.811C>T (p.Arg271Trp)

Gene: PEX16 (peroxisomal biogenesis factor 16; minus strand). Cytogenetic location: 11p11.2.
Variant type: single nucleotide variant.
Coding change: c.811C>T on transcript NM_004813.4 (MANE Select); coding-DNA position 811, C replaced by T.
Protein change: p.Arg271Trp; replaces arginine 271 with tryptophan.
Molecular consequence: missense variant.
Genome position (GRCh38, 1-based): chr11:45,913,895, G>A on the plus strand (C>T on the coding strand, the complement: PEX16 is on the minus strand). VCF-style: chr11-45913895-G-A. GRCh37 (hg19) VCF-style: chr11-45935446-G-A.
Other names: c.811C>T, p.Arg271Trp (NM_057174.3); short protein forms R271W.
Identifiers: ClinVar variation 1001348 (VCV001001348.7), dbSNP rs777810731, ClinGen allele CA5959816.

ClinVar aggregate classification (germline): Uncertain significance. Review status: criteria provided, multiple submitters, no conflicts (2 of 4 stars). 2 submissions from 2 submitters: Uncertain significance (2). Last evaluated 2024-10-24.

Conditions:
Peroxisome biogenesis disorder. Identifiers: Orphanet 79189, MedGen C1832200, MONDO:0019234. Disease mechanism: loss of function.

Allele frequency attached by ClinVar (database versions not stated): gnomAD exomes 0.00001 and 0.00002; ExAC 0.00002; TOPMed 0.00002.
gnomAD v4.1: 10 of 1,613,218 alleles (0.00062%); highest among the groups gnomAD compares: East Asian, 0.0022%; no homozygotes.

Submissions (2):

Blueprint Genetics
Classification: Uncertain significance. Last evaluated: 2024-10-24. Review status: criteria provided, single submitter. Criteria: ACMG Guidelines, 2015. Collection method: clinical testing. Allele origin: germline.

Labcorp Genetics (formerly Invitae), Labcorp
Classification: Uncertain significance for Peroxisome biogenesis disorder. Last evaluated: 2022-07-19. Review status: criteria provided, single submitter. Criteria: Invitae Variant Classification Sherloc (09022015). Collection method: clinical testing. Allele origin: germline.
Comment: This sequence change replaces arginine, which is basic and polar, with tryptophan, which is neutral and slightly polar, at codon 271 of the PEX16 protein (p.Arg271Trp). This variant is present in population databases (rs777810731, gnomAD 0.006%). This variant has not been reported in the literature in individuals affected with PEX16-related conditions. ClinVar contains an entry for this variant (Variation ID: 1001348). Algorithms developed to predict the effect of missense changes on protein structure and function are either unavailable or do not agree on the potential impact of this missense change (SIFT: "Deleterious"; PolyPhen-2: "Probably Damaging"; Align-GVGD: "Class C0"). In summary, the available evidence is currently insufficient to determine the role of this variant in disease. Therefore, it has been classified as a Variant of Uncertain Significance.